The following is an entry in ClinVar:

ClinVar aggregate classification (germline): Uncertain significance. Review status: criteria provided, multiple submitters, no conflicts (2 of 4 stars). 3 submissions from 3 submitters: Uncertain significance (3). Last evaluated 2025-10-03.

Conditions:
Epidermolysis bullosa simplex 5B, with muscular dystrophy (EBS5B). Also called: Epidermolysis bullosa simplex with muscular dystrophy; EPIDERMOLYSIS BULLOSA SIMPLEX AND LIMB-GIRDLE MUSCULAR DYSTROPHY. Identifiers: Orphanet 257, MedGen C2931072, MONDO:0009181, OMIM 226670.
Autosomal recessive limb-girdle muscular dystrophy type 2Q (LGMDR17). Also called: MUSCULAR DYSTROPHY, LIMB-GIRDLE, AUTOSOMAL RECESSIVE 17. Identifiers: Orphanet 254361, MedGen C3150989, MONDO:0013390, OMIM 613723.
Epidermolysis bullosa simplex with nail dystrophy (EBS5D). Identifiers: MedGen C4225309, MONDO:0014661, OMIM 616487.
Epidermolysis bullosa simplex 5C, with pyloric atresia (EBS5C). Also called: Epidermolysis bullosa simplex with pyloric atresia; PLEC-Related Epidermolysis Bullosa with Pyloric Atresia; PLEC1-Related Epidermolysis Bullosa with Pyloric Atresia. Identifiers: Orphanet 158684, MedGen C2677349, MONDO:0012807, OMIM 612138.
Epidermolysis bullosa simplex, Ogna type (EBS5A). Also called: EPIDERMOLYSIS BULLOSA SIMPLEX 5A, OGNA TYPE; Pidermolysis bullosa simplex 5A, Ogna type. Identifiers: Orphanet 79401, MedGen C0432317, MONDO:0007555, OMIM 131950.

Allele frequency attached by ClinVar (database versions not stated): gnomAD exomes 0.00004 and 0.00009; ExAC 0.00005; gnomAD 0.00005 and 0.00006; TOPMed 0.00006.
gnomAD v4.1: 134 of 1,613,670 alleles (0.0083%); highest among the groups gnomAD compares: Non-Finnish European, 0.011%; no homozygotes.

Submissions (3):

Labcorp Genetics (formerly Invitae), Labcorp
Classification: Uncertain significance for Autosomal recessive limb-girdle muscular dystrophy type 2Q; Epidermolysis bullosa simplex, Ogna type; Epidermolysis bullosa simplex with nail dystrophy; Epidermolysis bullosa simplex 5C, with pyloric atresia; Epidermolysis bullosa simplex 5B, with muscular dystrophy. Last evaluated: 2025-10-03. Review status: criteria provided, single submitter. Criteria: Invitae Variant Classification Sherloc (09022015). Collection method: clinical testing. Allele origin: germline.
Comment: This sequence change replaces valine, which is neutral and non-polar, with methionine, which is neutral and non-polar, at codon 2851 of the PLEC protein (p.Val2851Met). This variant is present in population databases (rs201160327, gnomAD 0.01%). This variant has not been reported in the literature in individuals affected with PLEC-related conditions. ClinVar contains an entry for this variant (Variation ID: 1495221). An algorithm developed to predict the effect of missense changes on protein structure and function (PolyPhen-2) suggests that this variant is likely to be disruptive. In summary, the available evidence is currently insufficient to determine the role of this variant in disease. Therefore, it has been classified as a Variant of Uncertain Significance.

Revvity Omics, Revvity
Classification: Uncertain significance. Last evaluated: 2019-03-14. Review status: criteria provided, single submitter. Criteria: ACMG Guidelines, 2015. Collection method: clinical testing. Allele origin: germline.

Breakthrough Genomics
Classification: Uncertain significance. Review status: criteria provided, single submitter. Criteria: ACMG Guidelines, 2015. Collection method: not provided. Allele origin: germline. Inheritance: Autosomal recessive inheritance. Affected: yes.

NM_201384.3(PLEC):c.8470G>A (p.Val2824Met)

Gene: PLEC (plectin; minus strand). Cytogenetic location: 8q24.3.
Variant type: single nucleotide variant.
Coding change: c.8470G>A on transcript NM_201384.3 (MANE Select); coding-DNA position 8470, G replaced by A.
Protein change: p.Val2824Met; replaces valine 2824 with methionine.
Molecular consequence: missense variant.
Genome position (GRCh38, 1-based): chr8:143,921,351, C>T on the plus strand (G>A on the coding strand, the complement: PLEC is on the minus strand). VCF-style: chr8-143921351-C-T. GRCh37 (hg19) VCF-style: chr8-144995519-C-T.
Other names: c.8551G>A (NM_000445.3); c.8551G>A, p.Val2851Met (NM_000445.5); c.8428G>A, p.Val2810Met (NM_201378.4); c.8404G>A, p.Val2802Met (NM_201379.3); c.8881G>A, p.Val2961Met (NM_201380.4); c.8374G>A, p.Val2792Met (NM_201381.3); c.8470G>A, p.Val2824Met (NM_201382.4); c.8482G>A, p.Val2828Met (NM_201383.3); short protein forms V2824M, V2851M, V2961M, V2792M, V2810M, V2828M, V2802M.
Identifiers: ClinVar variation 1495221 (VCV001495221.12), dbSNP rs201160327, ClinGen allele CA4925299.